The following is an entry in ClinVar:

ClinVar aggregate classification (germline): Likely pathogenic. Review status: criteria provided, multiple submitters, no conflicts (2 of 4 stars). 2 submissions from 2 submitters: Likely pathogenic (2). Last evaluated 2023-06-08.

Conditions:
RS1-related disorder. Also called: RS1-related condition.

Submissions (2):

Blueprint Genetics
Classification: Likely pathogenic for RS1-related disorders. Last evaluated: 2023-06-08. Review status: criteria provided, single submitter. Criteria: ACMG Guidelines, 2015. Collection method: clinical testing. Allele origin: germline. Affected: yes. Observed: 1 variant allele.

Labcorp Genetics (formerly Invitae), Labcorp
Classification: Likely pathogenic. Last evaluated: 2020-09-26. Review status: criteria provided, single submitter. Criteria: Invitae Variant Classification Sherloc (09022015). Collection method: clinical testing. Allele origin: germline.
Comment: In summary, the currently available evidence indicates that the variant is pathogenic, but additional data are needed to prove that conclusively. Therefore, this variant has been classified as Likely Pathogenic. This variant disrupts the p.Tyr89 amino acid residue in RS1. Other variant(s) that disrupt this residue have been determined to be pathogenic (PMID: 16361673, 30652005). This suggests that this residue is clinically significant, and that variants that disrupt this residue are likely to be disease-causing. Advanced modeling of protein sequence and biophysical properties (such as structural, functional, and spatial information, amino acid conservation, physicochemical variation, residue mobility, and thermodynamic stability) performed at Invitae indicates that this missense variant is expected to disrupt RS1 protein function. This variant has not been reported in the literature in individuals with RS1-related conditions. This sequence change replaces tyrosine with histidine at codon 89 of the RS1 protein (p.Tyr89His). The tyrosine residue is highly conserved and there is a moderate physicochemical difference between tyrosine and histidine. This variant is not present in population databases (ExAC no frequency).

Literature cited by the submitters: PubMed 16361673 (cited by Labcorp Genetics (formerly Invitae), Labcorp); PubMed 30652005 (cited by Labcorp Genetics (formerly Invitae), Labcorp).

NM_000330.4(RS1):c.265T>C (p.Tyr89His)

Genes: CDKL5 (cyclin dependent kinase like 5; plus strand), RS1 (retinoschisin 1; minus strand). Cytogenetic location: Xp22.13.
Variant type: single nucleotide variant.
Coding change: c.265T>C on transcript NM_000330.4 (MANE Select); coding-DNA position 265, T replaced by C.
Protein change: p.Tyr89His; replaces tyrosine 89 with histidine.
Molecular consequence: missense variant. On other transcripts: intron variant (2).
Genome position (GRCh38, 1-based): chrX:18,647,252, A>G on the plus strand (T>C on the coding strand, the complement: RS1 is on the minus strand). VCF-style: chrX-18647252-A-G. GRCh37 (hg19) VCF-style: chrX-18665372-A-G.
Other names: c.2797+1162A>G (NM_003159.3, NM_001037343.2); short protein forms Y89H.
Identifiers: ClinVar variation 1066016 (VCV001066016.10), dbSNP rs2147194034, ClinGen allele CA412372845.